The following is an entry in ClinVar:

ClinVar aggregate classification (germline): Benign. Review status: criteria provided, multiple submitters, no conflicts (2 of 4 stars). 2 submissions from 2 submitters: Benign (2). Last evaluated 2018-06-14.

Allele frequency attached by ClinVar (database versions not stated): 1000 Genomes Project 0.01637; 1000 Genomes Project 30x 0.01733; gnomAD 0.04136 and 0.04300; TOPMed 0.04228; gnomAD exomes 0.05909.
gnomAD v4.1: 78,567 of 1,378,840 alleles (5.7%); highest among the groups gnomAD compares: Non-Finnish European, 6.8%; 2,657 homozygotes.

Submissions (2):

GeneDx
Classification: Benign. Last evaluated: 2018-06-14. Review status: criteria provided, single submitter. Criteria: GeneDx Variant Classification (06012015). Collection method: clinical testing. Allele origin: germline. Affected: yes.
Comment: This variant is considered likely benign or benign based on one or more of the following criteria: it is a conservative change, it occurs at a poorly conserved position in the protein, it is predicted to be benign by multiple in silico algorithms, and/or has population frequency not consistent with disease.

Breakthrough Genomics
Classification: Benign. Review status: criteria provided, single submitter. Criteria: ACMG Guidelines, 2015. Collection method: not provided. Allele origin: germline. Inheritance: Autosomal recessive inheritance. Affected: yes.

NM_206933.4(USH2A):c.7594+128C>A

Gene: USH2A (usherin; minus strand). Cytogenetic location: 1q41.
Variant type: single nucleotide variant.
Coding change: c.7594+128C>A on transcript NM_206933.4 (MANE Select); 128 bases into the intron after coding-DNA position 7594, C replaced by A.
Molecular consequence: intron variant.
Genome position (GRCh38, 1-based): chr1:215,899,947, G>T on the plus strand (C>A on the coding strand, the complement: USH2A is on the minus strand). VCF-style: chr1-215899947-G-T. GRCh37 (hg19) VCF-style: chr1-216073289-G-T.
Identifiers: ClinVar variation 676621 (VCV000676621.2), dbSNP rs56074952, ClinGen allele CA37450968.
Genomic context (GRCh38, chr1:215,899,947, plus strand): 5'-AAGACCACATTATTCTTCTTTCTGGAGAGACTGACCACCTTTGCTCACTCTCTTGCCCTA[G>T]AAAAGGTTATTGTCACTAAACAACAAGTAAATAAGGGAGGCTCATTTCTTTGCTTTGGAA-3'